The following is an entry in ClinVar:

ClinVar aggregate classification (germline): Uncertain significance (1 of 4 stars; one submission).

Conditions:
Autosomal dominant Opitz G/BBB syndrome. Also called: Opitz GBBB syndrome, type II. Identifiers: Orphanet 2745, MedGen CN032444, MONDO:0007779.

Submission:

HudsonAlpha Institute for Biotechnology
Classification: Uncertain significance for Teebi hypertelorism syndrome 1. Last evaluated: 2021-03-25. Review status: criteria provided, single submitter. Criteria: ACMG Guidelines, 2015. Collection method: research. Allele origin: unknown. Observed: 1 variant allele. Study: CSER-SouthSeq.
Comment: ACMG codes:PM2; PP3

NM_015330.6(SPECC1L):c.2473del (p.Met825fs)

Genes: SPECC1L (sperm antigen with calponin homology and coiled-coil domains 1 like; plus strand), SPECC1L-ADORA2A (SPECC1L-ADORA2A readthrough (NMD candidate); plus strand). Cytogenetic location: 22q11.23.
Variant type: Deletion.
Coding change: c.2473del on transcript NM_015330.6 (MANE Select); coding-DNA position 2473, one base deleted (A; older notation c.2473delA).
Protein change: p.Met825fs; shifts the reading frame from methionine 825.
Molecular consequence: frameshift variant. On other transcripts: non-coding transcript variant (1).
Genome position (GRCh38, 1-based): chr22:24,334,486, A deleted; the last of 2 consecutive A bases (chr22:24,334,485-24,334,486); deleting either gives the same sequence. VCF-style (leftmost placement, unchanged base first): chr22-24334484-GA-G. GRCh37 (hg19) VCF-style: chr22-24730452-GA-G.
Other names: c.2473del, p.Met825fs (NM_001145468.4, NM_001254732.3); c.2473delA (NM_015330.6); short protein forms M825fs.
Identifiers: ClinVar variation 1048607 (VCV001048607.1), dbSNP rs2146521275, ClinGen allele CA2499226041.